The following is an entry in ClinVar:

NM_152564.5(VPS13B):c.5771del (p.Leu1924fs)

Gene: VPS13B (vacuolar protein sorting 13 homolog B; plus strand). Cytogenetic location: 8q22.2.
Variant type: Deletion.
Coding change: c.5771del on transcript NM_152564.5 (MANE Select); coding-DNA position 5771, one base deleted (T; older notation c.5771delT).
Protein change: p.Leu1924fs; shifts the reading frame from leucine 1924.
Molecular consequence: frameshift variant.
Genome position (GRCh38, 1-based): chr8:99,642,361, T deleted; the last of 2 consecutive T bases (chr8:99,642,360-99,642,361); deleting either gives the same sequence. VCF-style (leftmost placement, unchanged base first): chr8-99642359-CT-C. GRCh37 (hg19) VCF-style: chr8-100654587-CT-C.
Other names: c.5846del, p.Leu1949fs (NM_017890.5); short protein forms L1924fs, L1949fs.
Identifiers: ClinVar variation 1378346 (VCV001378346.6), dbSNP rs2133932364, ClinGen allele CA2573143589.
Genomic context (GRCh38, chr8:99,642,359, plus strand): 5'-TGCTAGACAAGCACTTGGTATAACTATTGTTCGGCAGCCTGGTCGAAGAGGAACTGGTGA[CT>C]TACAGCTAGAGCCTTTTCTGTACTTTATTGTGTCCCAGCCTTCCTTGCTTCTGAGTTGTC-3'

ClinVar aggregate classification (germline): Pathogenic (1 of 4 stars; one submission).

Conditions:
Cohen syndrome (COH1). Also called: Cutis verticis gyrata, retinitis pigmentosa, and sensorineural deafness; PEPPER SYNDROME. Identifiers: Orphanet 193, MedGen C0265223, MONDO:0008999, OMIM 216550.

Submission:

Labcorp Genetics (formerly Invitae), Labcorp
Classification: Pathogenic for Cohen syndrome. Last evaluated: 2022-04-09. Review status: criteria provided, single submitter. Criteria: Invitae Variant Classification Sherloc (09022015). Collection method: clinical testing. Allele origin: germline.
Comment: This variant has not been reported in the literature in individuals affected with VPS13B-related conditions. This variant is not present in population databases (gnomAD no frequency). This sequence change creates a premature translational stop signal (p.Leu1949Tyrfs*3) in the VPS13B gene. It is expected to result in an absent or disrupted protein product. Loss-of-function variants in VPS13B are known to be pathogenic (PMID: 15141358, 16648375, 20461111). For these reasons, this variant has been classified as Pathogenic.

Literature cited by the submitters: PubMed 15141358; PubMed 16648375; PubMed 20461111.